The following is an entry in ClinVar:

ClinVar aggregate classification (germline): Conflicting classifications of pathogenicity. Review status: criteria provided, conflicting classifications (1 of 4 stars). 2 submissions from 2 submitters: Uncertain significance (1); Likely benign (1). Last evaluated 2023-11-27.

Conditions:
Inborn genetic diseases. Identifiers: MedGen C0950123, MeSH D030342.

Allele frequency attached by ClinVar (database versions not stated): gnomAD exomes 0.00005; ExAC 0.00008; ESP Exome Variant Server 0.00008; TOPMed 0.00008; 1000 Genomes Project 30x 0.00016; 1000 Genomes Project 0.00020.
gnomAD v4.1: 77 of 1,613,746 alleles (0.0048%); highest among the groups gnomAD compares: Middle Eastern, 0.051%; no homozygotes.

Submissions (2):

Ambry Genetics
Classification: Uncertain significance for Inborn genetic diseases. Last evaluated: 2023-11-27. Review status: criteria provided, single submitter. Criteria: Ambry Variant Classification Scheme 2023. Collection method: clinical testing. Allele origin: germline.

CeGaT Center for Human Genetics Tuebingen
Classification: Likely benign. Last evaluated: 2022-12-01. Review status: criteria provided, single submitter. Criteria: CeGaT Center For Human Genetics Tuebingen Variant Classification Criteria Version 2. Collection method: clinical testing. Allele origin: germline. Affected: yes. Observed: 3 variant alleles.
Comment: GAD1: BP4

NM_000817.3(GAD1):c.260G>A (p.Arg87His)

Gene: GAD1 (glutamate decarboxylase 1; plus strand). Cytogenetic location: 2q31.1.
Variant type: single nucleotide variant.
Coding change: c.260G>A on transcript NM_000817.3 (MANE Select); coding-DNA position 260, G replaced by A.
Protein change: p.Arg87His; replaces arginine 87 with histidine.
Molecular consequence: missense variant.
Genome position (GRCh38, 1-based): chr2:170,829,589, G>A. VCF-style: chr2-170829589-G-A. GRCh37 (hg19) VCF-style: chr2-171686099-G-A.
Other names: c.260G>A (NM_000817.2); c.260G>A, p.Arg87His (NM_013445.4); short protein forms R87H.
Identifiers: ClinVar variation 2651535 (VCV002651535.25), dbSNP rs201232271, ClinGen allele CA1962569.